The following is an entry in ClinVar:

NM_000289.6(PFKM):c.1342-1G>C

Gene: PFKM (phosphofructokinase, muscle; plus strand). Cytogenetic location: 12q13.11.
Variant type: single nucleotide variant.
Coding change: c.1342-1G>C on transcript NM_000289.6 (MANE Select); the canonical splice acceptor site of the intron before coding-DNA position 1342, G replaced by C.
Molecular consequence: splice acceptor variant.
Genome position (GRCh38, 1-based): chr12:48,141,310, G>C. VCF-style: chr12-48141310-G-C. GRCh37 (hg19) VCF-style: chr12-48535093-G-C.
Other names: c.1249-1G>C (NM_001363619.2); c.1192-1G>C (NM_001354748.2, NM_001354747.2); c.1342-1G>C (NM_001166688.2, NM_001166687.2, NM_001354742.2 and 2 more transcripts); c.1366-1G>C (NM_001354741.2); c.1555-1G>C (NM_001166686.2, NM_001354737.1, NM_001354739.1 and 1 more transcripts); c.1651-1G>C (NM_001354736.1, NM_001354735.1); c.1486-1G>C (NM_001354740.1); c.1255-1G>C (NM_001354745.2); and 1 more.
Identifiers: ClinVar variation 2819577 (VCV002819577.3), dbSNP rs2498556144, ClinGen allele CA384550919.

ClinVar aggregate classification (germline): Likely pathogenic (1 of 4 stars; one submission).

Conditions:
Glycogen storage disease, type VII (GSD7). Also called: GSD VII; MUSCLE PHOSPHOFRUCTOKINASE DEFICIENCY; PFKM DEFICIENCY; TARUI DISEASE. Identifiers: Orphanet 371, MedGen C0017926, MONDO:0009295, OMIM 232800.

Submission:

Labcorp Genetics (formerly Invitae), Labcorp
Classification: Likely pathogenic for Glycogen storage disease, type VII. Last evaluated: 2022-12-08. Review status: criteria provided, single submitter. Criteria: Invitae Variant Classification Sherloc (09022015). Collection method: clinical testing. Allele origin: germline.
Comment: In summary, the currently available evidence indicates that the variant is pathogenic, but additional data are needed to prove that conclusively. Therefore, this variant has been classified as Likely Pathogenic. Algorithms developed to predict the effect of sequence changes on RNA splicing suggest that this variant may disrupt the consensus splice site. This variant has not been reported in the literature in individuals affected with PFKM-related conditions. This variant is not present in population databases (gnomAD no frequency). This sequence change affects an acceptor splice site in intron 14 of the PFKM gene. It is expected to disrupt RNA splicing. Variants that disrupt the donor or acceptor splice site typically lead to a loss of protein function (PMID: 16199547), and loss-of-function variants in PFKM are known to be pathogenic (PMID: 7825568, 8037209).

Literature cited by the submitters: PubMed 16199547; PubMed 7825568; PubMed 8037209.